The following is an entry in ClinVar:

NM_014918.5(CHSY1):c.1328A>G (p.Tyr443Cys)

Gene: CHSY1 (chondroitin sulfate synthase 1; minus strand). Cytogenetic location: 15q26.3.
Variant type: single nucleotide variant.
Coding change: c.1328A>G on transcript NM_014918.5 (MANE Select); coding-DNA position 1328, A replaced by G.
Protein change: p.Tyr443Cys; replaces tyrosine 443 with cysteine.
Molecular consequence: missense variant.
Genome position (GRCh38, 1-based): chr15:101,178,469, T>C on the plus strand (A>G on the coding strand, the complement: CHSY1 is on the minus strand). VCF-style: chr15-101178469-T-C. GRCh37 (hg19) VCF-style: chr15-101718674-T-C.
Other names: c.1328A>G (NM_014918.4); short protein forms Y443C.
Identifiers: ClinVar variation 1037110 (VCV001037110.11), dbSNP rs75034086, ClinGen allele CA7762549.

ClinVar aggregate classification (germline): Conflicting classifications of pathogenicity. Review status: criteria provided, conflicting classifications (1 of 4 stars). 3 submissions from 3 submitters: Uncertain significance (2); Likely benign (1). Last evaluated 2025-08-12.

Conditions:
Inborn genetic diseases. Identifiers: MedGen C0950123, MeSH D030342.
Temtamy preaxial brachydactyly syndrome (TPBS). Identifiers: Orphanet 363417, MedGen C1854466, MONDO:0011533, OMIM 605282.

Allele frequency attached by ClinVar (database versions not stated): gnomAD exomes 0.00010 and 0.00013; ExAC 0.00012; ESP Exome Variant Server 0.00023; TOPMed 0.00025; gnomAD 0.00027 and 0.00028; 1000 Genomes Project 0.00080; 1000 Genomes Project 30x 0.00094.
gnomAD v4.1: 233 of 1,614,240 alleles (0.014%); highest among the groups gnomAD compares: African/African-American, 0.079%; 1 homozygote.

Submissions (3):

Ambry Genetics
Classification: Likely benign for Inborn genetic diseases. Last evaluated: 2025-08-12. Review status: criteria provided, single submitter. Criteria: Ambry Variant Classification Scheme 2023. Collection method: clinical testing. Allele origin: germline.

Labcorp Genetics (formerly Invitae), Labcorp
Classification: Uncertain significance for Temtamy preaxial brachydactyly syndrome. Last evaluated: 2022-10-25. Review status: criteria provided, single submitter. Criteria: Invitae Variant Classification Sherloc (09022015). Collection method: clinical testing. Allele origin: germline.
Comment: Advanced modeling of protein sequence and biophysical properties (such as structural, functional, and spatial information, amino acid conservation, physicochemical variation, residue mobility, and thermodynamic stability) performed at Invitae indicates that this missense variant is expected to disrupt CHSY1 protein function. In summary, the available evidence is currently insufficient to determine the role of this variant in disease. Therefore, it has been classified as a Variant of Uncertain Significance. ClinVar contains an entry for this variant (Variation ID: 1037110). This variant has not been reported in the literature in individuals affected with CHSY1-related conditions. This variant is present in population databases (rs75034086, gnomAD 0.05%). This sequence change replaces tyrosine, which is neutral and polar, with cysteine, which is neutral and slightly polar, at codon 443 of the CHSY1 protein (p.Tyr443Cys).

Blueprint Genetics
Classification: Uncertain significance. Last evaluated: 2021-11-04. Review status: criteria provided, single submitter. Criteria: ACMG Guidelines, 2015. Collection method: clinical testing. Allele origin: germline.